The following is an entry in ClinVar:

ClinVar aggregate classification (germline): Uncertain significance (1 of 4 stars; one submission).

Conditions:
COL1A1-related disorder. Also called: COL1A1-related condition; COL1A1- related disease.

Submission:

3billion
Classification: Uncertain significance for COL1A1-related disorder. Last evaluated: 2025-12-29. Review status: criteria provided, single submitter. Criteria: ACMG Guidelines, 2015. Collection method: clinical testing. Allele origin: germline. Affected: yes.
Comment: The variant is not observed in the gnomAD v4.1.0 dataset. Predicted Consequence/Location: Inframe deletion located in a nonrepeat region: predicted to change the length of the protein and disrupt normal protein function. Therefore, this variant is classified as VUS according to the recommendation of ACMG/AMP guideline.

NM_000088.4(COL1A1):c.2646_2648del (p.Val883del)

Gene: COL1A1 (collagen type I alpha 1 chain; minus strand). Cytogenetic location: 17q21.33.
Variant type: Deletion.
Coding change: c.2646_2648del on transcript NM_000088.4 (MANE Select); coding-DNA positions 2646 to 2648, 3 bases deleted (AGT; older notation c.2646_2648delAGT).
Protein change: p.Val883del; deletes valine 883.
Molecular consequence: inframe deletion.
Genome position (GRCh38, 1-based): chr17:50,189,698-50,189,700, ACT deleted on the plus strand (AGT on the coding strand, the reverse complement: COL1A1 is on the minus strand). VCF-style (leftmost placement, unchanged base first): chr17-50189697-GACT-G. GRCh37 (hg19) VCF-style: chr17-48267058-GACT-G.
Other names: short protein forms V883del.
Identifiers: ClinVar variation 4855207 (VCV004855207.1).
Genomic context (GRCh38, chr17:50,189,697, plus strand): 5'-CACCCCCAACCTAGAGCAGTGGACTCTGCTGCAGAGACTTACAGAGGGGCCAGGAGGACC[GACT>G]CGGCCAGCAGCACCAGGGAAACCAGTAGCACCCTGGAAGGAGAGAACATAGGAACAGTCA-3'